The following is an entry in ClinVar:

NM_173630.4(RTTN):c.3436A>G (p.Ile1146Val)

Gene: RTTN (rotatin; minus strand). Cytogenetic location: 18q22.2.
Variant type: single nucleotide variant.
Coding change: c.3436A>G on transcript NM_173630.4 (MANE Select); coding-DNA position 3436, A replaced by G.
Protein change: p.Ile1146Val; replaces isoleucine 1146 with valine.
Molecular consequence: missense variant.
Genome position (GRCh38, 1-based): chr18:70,121,648, T>C on the plus strand (A>G on the coding strand, the complement: RTTN is on the minus strand). VCF-style: chr18-70121648-T-C. GRCh37 (hg19) VCF-style: chr18-67788884-T-C.
Other names: c.700A>G, p.Ile234Val (NM_001318520.2); short protein forms I1146V, I234V.
Identifiers: ClinVar variation 1306143 (VCV001306143.3), dbSNP rs759726597, ClinGen allele CA8995589.

ClinVar aggregate classification (germline): Uncertain significance. Review status: criteria provided, multiple submitters, no conflicts (2 of 4 stars). 2 submissions from 2 submitters: Uncertain significance (2). Last evaluated 2024-05-23.

Conditions:
Inborn genetic diseases. Identifiers: MedGen C0950123, MeSH D030342.

Allele frequency attached by ClinVar (database versions not stated): gnomAD 0.00001; gnomAD exomes 0.00002 and 0.00003; ExAC 0.00007.
gnomAD v4.1: 29 of 1,575,878 alleles (0.0018%); highest among the groups gnomAD compares: South Asian, 0.031%; 1 homozygote.

Submissions (2):

Ambry Genetics
Classification: Uncertain significance for Inborn genetic diseases. Last evaluated: 2024-05-23. Review status: criteria provided, single submitter. Criteria: Ambry Variant Classification Scheme 2023. Collection method: clinical testing. Allele origin: germline.

GeneDx
Classification: Uncertain significance. Last evaluated: 2019-05-24. Review status: criteria provided, single submitter. Criteria: GeneDx Variant Classification Process June 2021. Collection method: clinical testing. Allele origin: germline. Affected: yes.
Comment: In silico analysis, which includes protein predictors and evolutionary conservation, supports that this variant does not alter protein structure/function; Has not been previously published as pathogenic or benign to our knowledge